The following is an entry in ClinVar:

ClinVar aggregate classification (germline): Uncertain significance (1 of 4 stars; one submission).

Conditions:
Inborn genetic diseases. Identifiers: MedGen C0950123, MeSH D030342.

Allele frequency attached by ClinVar (database versions not stated): gnomAD 0.00001; TOPMed 0.00001; gnomAD exomes 0.00003; ExAC 0.00005.
gnomAD v4.1: 34 of 1,209,522 alleles (0.0028%); highest among the groups gnomAD compares: East Asian, 0.0059%; no homozygotes.

Submission:

Ambry Genetics
Classification: Uncertain significance for Inborn genetic diseases. Last evaluated: 2018-08-25. Review status: criteria provided, single submitter. Criteria: Ambry Variant Classification Scheme 2023. Collection method: clinical testing. Allele origin: germline.
Comment: The p.T763M variant (also known as c.2288C>T), located in coding exon 5 of the NLGN4X gene, results from a C to T substitution at nucleotide position 2288. The threonine at codon 763 is replaced by methionine, an amino acid with similar properties. This amino acid position is well conserved in available vertebrate species. In addition, this alteration is predicted to be tolerated by in silico analysis. Since supporting evidence is limited at this time, the clinical significance of this alteration remains unclear.

NM_181332.3(NLGN4X):c.2288C>T (p.Thr763Met)

Gene: NLGN4X (neuroligin 4 X-linked; minus strand). Cytogenetic location: Xp22.32.
Variant type: single nucleotide variant.
Coding change: c.2288C>T on transcript NM_181332.3 (MANE Select); coding-DNA position 2288, C replaced by T.
Protein change: p.Thr763Met; replaces threonine 763 with methionine.
Molecular consequence: missense variant.
Genome position (GRCh38, 1-based): chrX:5,892,980, G>A on the plus strand (C>T on the coding strand, the complement: NLGN4X is on the minus strand). VCF-style: chrX-5892980-G-A. GRCh37 (hg19) VCF-style: chrX-5811021-G-A.
Other names: c.2288C>T, p.Thr763Met (NM_001282145.2, NM_001282146.2, NM_020742.4); short protein forms T763M.
Identifiers: ClinVar variation 1789045 (VCV001789045.2), dbSNP rs760718761, ClinGen allele CA10340904.